The following is an entry in ClinVar:

NM_000069.3(CACNA1S):c.4462G>A (p.Glu1488Lys)

Gene: CACNA1S (calcium voltage-gated channel subunit alpha1 S; minus strand). Cytogenetic location: 1q32.1.
Variant type: single nucleotide variant.
Coding change: c.4462G>A on transcript NM_000069.3 (MANE Select); coding-DNA position 4462, G replaced by A.
Protein change: p.Glu1488Lys; replaces glutamic acid 1488 with lysine.
Molecular consequence: missense variant.
Genome position (GRCh38, 1-based): chr1:201,047,606, C>T on the plus strand (G>A on the coding strand, the complement: CACNA1S is on the minus strand). VCF-style: chr1-201047606-C-T. GRCh37 (hg19) VCF-style: chr1-201016734-C-T.
Other names: short protein forms E1488K.
Identifiers: ClinVar variation 294716 (VCV000294716.18), dbSNP rs533353353, ClinGen allele CA083377.

ClinVar aggregate classification (germline): Conflicting classifications of pathogenicity. Review status: criteria provided, conflicting classifications (1 of 4 stars). 4 submissions from 4 submitters: Uncertain significance (1); Benign (1); Likely benign (2). Last evaluated 2026-01-26.

Conditions:
Hypokalemic periodic paralysis, type 1. Also called: Hypokalemic Periodic Paralysis Type 1 (AD); HypoPP. Identifiers: Orphanet 681, MedGen C3714580, MONDO:0042979, OMIM 170400.
Malignant hyperthermia, susceptibility to, 5 (MHS5). Also called: CACNA1S-Related Malignant Hyperthermia Susceptibility. Identifiers: Orphanet 423, MedGen C1866077, MONDO:0011163, OMIM 601887.

Allele frequency attached by ClinVar (database versions not stated): gnomAD 0.00001 and 0.00006; TOPMed 0.00003; gnomAD exomes 0.00010 and 0.00019; ExAC 0.00019; 1000 Genomes Project 30x 0.00047; 1000 Genomes Project 0.00060.
gnomAD v4.1: 148 of 1,614,144 alleles (0.0092%); highest among the groups gnomAD compares: South Asian, 0.14%; no homozygotes.

Submissions (4):

Labcorp Genetics (formerly Invitae), Labcorp
Classification: Likely benign for Hypokalemic periodic paralysis, type 1; Malignant hyperthermia, susceptibility to, 5. Last evaluated: 2026-01-26. Review status: criteria provided, single submitter. Criteria: Invitae Variant Classification Sherloc (09022015). Collection method: clinical testing. Allele origin: germline.

Color Diagnostics, LLC DBA Color Health
Classification: Likely benign for Malignant hyperthermia, susceptibility to, 5. Last evaluated: 2023-04-06. Review status: criteria provided, single submitter. Criteria: ACMG Guidelines, 2015. Collection method: clinical testing. Allele origin: germline.

GeneDx
Classification: Uncertain significance. Last evaluated: 2021-05-03. Review status: criteria provided, single submitter. Criteria: GeneDx Variant Classification Process June 2021. Collection method: clinical testing. Allele origin: germline. Affected: yes.
Comment: In silico analysis supports that this missense variant has a deleterious effect on protein structure/function; Has not been previously published as pathogenic or benign to our knowledge

Illumina Laboratory Services, Illumina
Classification: Benign for Hypokalemic periodic paralysis, type 1. Last evaluated: 2018-01-12. Review status: criteria provided, single submitter. Criteria: ICSL Variant Classification Criteria 13 December 2019. Collection method: clinical testing. Allele origin: germline.
Comment: This variant was observed in the ICSL laboratory as part of a predisposition screen in an ostensibly healthy population. It had not been previously curated by ICSL or reported in the Human Gene Mutation Database (HGMD: prior to June 1st, 2018), and was therefore a candidate for classification through an automated scoring system. Utilizing variant allele frequency, disease prevalence and penetrance estimates, and inheritance mode, an automated score was calculated to assess if this variant is too frequent to cause the disease. Based on the score and internal cut-off values, a variant classified as benign is not then subjected to further curation. The score for this variant resulted in a classification of benign for this disease.